The following is an entry in ClinVar:

NM_172341.4(PSENEN):c.184G>A (p.Val62Met)

Gene: PSENEN (presenilin enhancer, gamma-secretase subunit; plus strand). Cytogenetic location: 19q13.12.
Variant type: single nucleotide variant.
Coding change: c.184G>A on transcript NM_172341.4 (MANE Select); coding-DNA position 184, G replaced by A.
Protein change: p.Val62Met; replaces valine 62 with methionine.
Molecular consequence: missense variant.
Genome position (GRCh38, 1-based): chr19:35,746,725, G>A. VCF-style: chr19-35746725-G-A. GRCh37 (hg19) VCF-style: chr19-36237626-G-A.
Other names: c.184G>A, p.Val62Met (NM_001281532.3); short protein forms V62M.
Identifiers: ClinVar variation 1525010 (VCV001525010.8), dbSNP rs761745853, ClinGen allele CA405463395.

ClinVar aggregate classification (germline): Uncertain significance (1 of 4 stars; one submission).

Allele frequency attached by ClinVar (database versions not stated): gnomAD exomes below 0.00001.
gnomAD v4.1: 3 of 1,614,172 alleles (0.00019%); highest among the groups gnomAD compares: South Asian, 0.0011%; no homozygotes.

Submission:

Labcorp Genetics (formerly Invitae), Labcorp
Classification: Uncertain significance. Last evaluated: 2024-12-04. Review status: criteria provided, single submitter. Criteria: Invitae Variant Classification Sherloc (09022015). Collection method: clinical testing. Allele origin: germline.
Comment: This sequence change replaces valine, which is neutral and non-polar, with methionine, which is neutral and non-polar, at codon 62 of the PSENEN protein (p.Val62Met). This variant is not present in population databases (gnomAD no frequency). This variant has not been reported in the literature in individuals affected with PSENEN-related conditions. ClinVar contains an entry for this variant (Variation ID: 1525010). An algorithm developed to predict the effect of missense changes on protein structure and function (PolyPhen-2) suggests that this variant is likely to be tolerated. In summary, the available evidence is currently insufficient to determine the role of this variant in disease. Therefore, it has been classified as a Variant of Uncertain Significance.